The following is an entry in ClinVar:

ClinVar aggregate classification (germline): Uncertain significance (1 of 4 stars; one submission).

Submission:

GeneDx
Classification: Uncertain significance. Last evaluated: 2023-02-03. Review status: criteria provided, single submitter. Criteria: GeneDx Variant Classification Process June 2021. Collection method: clinical testing. Allele origin: germline. Affected: yes.
Comment: Not observed at significant frequency in large population cohorts (gnomAD); In silico analysis supports that this missense variant has a deleterious effect on protein structure/function; Has not been previously published as pathogenic or benign to our knowledge

NM_002470.4(MYH3):c.861C>G (p.Phe287Leu)

Gene: MYH3 (myosin heavy chain 3; minus strand). Cytogenetic location: 17p13.1.
Variant type: single nucleotide variant.
Coding change: c.861C>G on transcript NM_002470.4 (MANE Select); coding-DNA position 861, C replaced by G.
Protein change: p.Phe287Leu; replaces phenylalanine 287 with leucine.
Molecular consequence: missense variant.
Genome position (GRCh38, 1-based): chr17:10,647,219, G>C on the plus strand (C>G on the coding strand, the complement: MYH3 is on the minus strand). VCF-style: chr17-10647219-G-C. GRCh37 (hg19) VCF-style: chr17-10550536-G-C.
Other names: short protein forms F287L.
Identifiers: ClinVar variation 2574965 (VCV002574965.1), dbSNP rs2508630968, ClinGen allele CA398177784.